The following is an entry in ClinVar:

ClinVar aggregate classification (germline): Pathogenic. Review status: criteria provided, multiple submitters, no conflicts (2 of 4 stars). 4 submissions from 4 submitters: Pathogenic (3). 1 of the submissions does not count toward it. Last evaluated 2025-02-18.

Conditions:
Hereditary cancer-predisposing syndrome. Also called: Hereditary neoplastic syndrome; Tumor predisposition; Hereditary Cancer Syndrome; Neoplastic Syndromes, Hereditary. Identifiers: Orphanet 140162, MedGen C0027672, MeSH D009386, MONDO:0015356.
Familial adenomatous polyposis 1 (FAP1). Also called: FAMILIAL ADENOMATOUS POLYPOSIS 1, ATTENUATED; POLYPOSIS, ADENOMATOUS INTESTINAL. Identifiers: MedGen C2713442, MONDO:0021056, OMIM 175100. Disease mechanism: loss of function.

Submissions (4):

Labcorp Genetics (formerly Invitae), Labcorp
Classification: Pathogenic for Familial adenomatous polyposis 1. Last evaluated: 2025-02-18. Review status: criteria provided, single submitter. Criteria: Invitae Variant Classification Sherloc (09022015). Collection method: clinical testing. Allele origin: germline.
Comment: This sequence change creates a premature translational stop signal (p.Pro1159Aspfs*7) in the APC gene. While this is not anticipated to result in nonsense mediated decay, it is expected to disrupt the last 1685 amino acid(s) of the APC protein. This variant is not present in population databases (gnomAD no frequency). This premature translational stop signal has been observed in individual(s) with breast cancer and polyposis (PMID: 26681312). ClinVar contains an entry for this variant (Variation ID: 492662). This variant is expected to disrupt the EB1 and HDLG binding sites, which mediate interactions with the cytoskeleton (PMID: 15311282, 17293347). While functional studies have not been performed to directly test the effect on APC protein function, this suggests that disruption of the C-terminal portion of the protein is functionally important. A different truncation (p.Tyr2645Lysfs*14) that lies downstream of this variant has been determined to be pathogenic (PMID: 9824584, 1316610, 27081525, 8381579, 22135120, internal data). This suggests that deletion of this region of the APC protein is causative of disease. For these reasons, this variant has been classified as Pathogenic.

Myriad Genetics, Inc.
Classification: Pathogenic for Familial adenomatous polyposis 1. Last evaluated: 2023-05-08. Review status: criteria provided, single submitter. Criteria: Myriad Autosomal Dominant, Autosomal Recessive and X-Linked Classification Criteria (2023). Collection method: clinical testing. Allele origin: unknown.
Comment: This variant is considered pathogenic. This variant creates a frameshift predicted to result in premature protein truncation.

Ambry Genetics
Classification: Pathogenic for Hereditary cancer-predisposing syndrome. Last evaluated: 2022-03-14. Review status: criteria provided, single submitter. Criteria: Ambry Variant Classification Scheme 2023. Collection method: clinical testing. Allele origin: germline.
Comment: The c.3473_3474dupGA pathogenic mutation, located in coding exon 15 of the APC gene, results from a duplication of GA at nucleotide position 3473, causing a translational frameshift with a predicted alternate stop codon (p.P1159Dfs*7). This alteration occurs at the 3' terminus of theAPC gene, is not expected to trigger nonsense-mediated mRNA decay, and only impacts the last 1685 amino acids of the protein. However, premature stop codons are typically deleterious in nature and the impacted region is critical for protein function with a significant portion of the protein is affected (Ambry internal data). Other truncating alterations downstream have been observed in individuals with a personal and/or family history that is consistent with APC-related disease (Ambry internal data). This variant is considered to be rare based on population cohorts in the Genome Aggregation Database (gnomAD). As such, this alteration is interpreted as a disease-causing mutation.

Mayo Clinic Laboratories, Mayo Clinic
Classification: Pathogenic. Review status: no assertion criteria provided. Collection method: clinical testing. Allele origin: unknown. Not counted in ClinVar's aggregate classification.

Literature cited by the submitters: PubMed 26681312 (cited by Labcorp Genetics (formerly Invitae), Labcorp); PubMed 15311282 (cited by Labcorp Genetics (formerly Invitae), Labcorp); PubMed 17293347 (cited by Labcorp Genetics (formerly Invitae), Labcorp); PubMed 9824584 (cited by Labcorp Genetics (formerly Invitae), Labcorp); PubMed 1316610 (cited by Labcorp Genetics (formerly Invitae), Labcorp); PubMed 27081525 (cited by Labcorp Genetics (formerly Invitae), Labcorp); PubMed 8381579 (cited by Labcorp Genetics (formerly Invitae), Labcorp); PubMed 22135120 (cited by Labcorp Genetics (formerly Invitae), Labcorp).

NM_000038.6(APC):c.3473_3474dup (p.Pro1159fs)

Gene: APC (APC regulator of Wnt signaling pathway; plus strand). Cytogenetic location: 5q22.2.
Variant type: Microsatellite.
Coding change: c.3473_3474dup on transcript NM_000038.6 (MANE Select); coding-DNA positions 3473 to 3474, 2 bases duplicated (GA; older notation c.3473_3474dupGA).
Protein change: p.Pro1159fs; shifts the reading frame from proline 1159.
Molecular consequence: frameshift variant.
Genome position (GRCh38, 1-based): chr5:112,839,067-112,839,068, GA duplicated; duplicating any 2 consecutive bases within chr5:112,839,062-112,839,068 gives the same sequence; the c. name uses the placement nearest the transcript's 3' end. VCF-style (leftmost placement, unchanged base first): chr5-112839061-A-AAG. GRCh37 (hg19) VCF-style: chr5-112174758-A-AAG.
Other names: c.3473_3474dup, p.Pro1159fs (NM_001127510.3, NM_001354895.2); c.3419_3420dup, p.Pro1141fs (NM_001127511.3); c.3527_3528dup, p.Pro1177fs (NM_001354896.2); c.3503_3504dup, p.Pro1169fs (NM_001354897.2); c.3398_3399dup, p.Pro1134fs (NM_001354898.2); c.3389_3390dup, p.Pro1131fs (NM_001354899.2); c.3350_3351dup, p.Pro1118fs (NM_001354900.2); c.3296_3297dup, p.Pro1100fs (NM_001354901.2); and 6 more; short protein forms P1033fs, P1141fs, P999fs, P1058fs, P1131fs, P1068fs, P1118fs, P1134fs.
Identifiers: ClinVar variation 492662 (VCV000492662.17), dbSNP rs786203020, ClinGen allele CA658683408.